The following is an entry in ClinVar:

NM_016284.5(CNOT1):c.6454-315_6454-314del

Gene: CNOT1 (CCR4-NOT transcription complex subunit 1; minus strand). Cytogenetic location: 16q21.
Variant type: Deletion.
Coding change: c.6454-315_6454-314del on transcript NM_016284.5 (MANE Select); 315 bases into the intron before coding-DNA position 6454 through 314 bases into the intron before coding-DNA position 6454, 2 bases deleted (TG; older notation c.6454-315_6454-314delTG).
Molecular consequence: intron variant.
Genome position (GRCh38, 1-based): chr16:58,526,452-58,526,453, CA deleted on the plus strand (TG on the coding strand, the reverse complement: CNOT1 is on the minus strand); deleting any 2 consecutive bases within chr16:58,526,452-58,526,454 gives the same sequence; the c. name uses the placement nearest the transcript's 3' end. VCF-style (leftmost placement, unchanged base first): chr16-58526451-TCA-T. GRCh37 (hg19) VCF-style: chr16-58560355-TCA-T.
Other names: c.6439-315_6439-314del (NM_001265612.2).
Identifiers: ClinVar variation 4854633 (VCV004854633.1).

ClinVar aggregate classification (germline): Uncertain significance (1 of 4 stars; one submission).

Conditions:
Vissers-Bodmer syndrome. Identifiers: MedGen C5436647, MONDO:0033618, OMIM 619033.

Submission:

3billion
Classification: Uncertain significance for Vissers-Bodmer syndrome. Last evaluated: 2025-06-17. Review status: criteria provided, single submitter. Criteria: ACMG Guidelines, 2015. Collection method: clinical testing. Allele origin: germline. Affected: yes.
Comment: The variant is not observed in the gnomAD v4.1.0 dataset. Predicted Consequence/Location: Intron variant In silico tools predict the variant to alter splicing and produce an abnormal transcript [SpliceAI: 0.30 (>=0.2, moderate evidence for spliceogenicity)]. Therefore, this variant is classified as VUS according to the recommendation of ACMG/AMP guideline.